The following is an entry in ClinVar:

NM_015311.3(OBSL1):c.2771G>A (p.Arg924Gln)

Gene: OBSL1 (obscurin like cytoskeletal adaptor 1; minus strand). Cytogenetic location: 2q35.
Variant type: single nucleotide variant.
Coding change: c.2771G>A on transcript NM_015311.3 (MANE Select); coding-DNA position 2771, G replaced by A.
Protein change: p.Arg924Gln; replaces arginine 924 with glutamine.
Molecular consequence: missense variant.
Genome position (GRCh38, 1-based): chr2:219,562,584, C>T on the plus strand (G>A on the coding strand, the complement: OBSL1 is on the minus strand). VCF-style: chr2-219562584-C-T. GRCh37 (hg19) VCF-style: chr2-220427306-C-T.
Other names: c.2771G>A, p.Arg924Gln (NM_001173408.2, NM_001173431.2); c.2771G>A (NM_015311.2); short protein forms R924Q.
Identifiers: ClinVar variation 2176193 (VCV002176193.4), dbSNP rs200846552, ClinGen allele CA2131094.

ClinVar aggregate classification (germline): Uncertain significance. Review status: criteria provided, multiple submitters, no conflicts (2 of 4 stars). 2 submissions from 2 submitters: Uncertain significance (2). Last evaluated 2025-06-12.

Conditions:
Inborn genetic diseases. Identifiers: MedGen C0950123, MeSH D030342.

Allele frequency attached by ClinVar (database versions not stated): gnomAD 0.00001; TOPMed 0.00002; ESP Exome Variant Server 0.00008; gnomAD exomes 0.00009; ExAC 0.00041.
gnomAD v4.1: 141 of 1,612,174 alleles (0.0087%); highest among the groups gnomAD compares: Middle Eastern, 0.016%; 1 homozygote.

Submissions (2):

Ambry Genetics
Classification: Uncertain significance for Inborn genetic diseases. Last evaluated: 2025-06-12. Review status: criteria provided, single submitter. Criteria: Ambry Variant Classification Scheme 2023. Collection method: clinical testing. Allele origin: germline.

Labcorp Genetics (formerly Invitae), Labcorp
Classification: Uncertain significance. Last evaluated: 2022-05-31. Review status: criteria provided, single submitter. Criteria: Invitae Variant Classification Sherloc (09022015). Collection method: clinical testing. Allele origin: germline.
Comment: This sequence change replaces arginine, which is basic and polar, with glutamine, which is neutral and polar, at codon 924 of the OBSL1 protein (p.Arg924Gln). This variant is present in population databases (rs200846552, gnomAD 0.03%), including at least one homozygous and/or hemizygous individual. This variant has not been reported in the literature in individuals affected with OBSL1-related conditions. Algorithms developed to predict the effect of missense changes on protein structure and function output the following: SIFT: "Tolerated"; PolyPhen-2: "Possibly Damaging"; Align-GVGD: "Class C0". The glutamine amino acid residue is found in multiple mammalian species, which suggests that this missense change does not adversely affect protein function. In summary, the available evidence is currently insufficient to determine the role of this variant in disease. Therefore, it has been classified as a Variant of Uncertain Significance.